The following is an entry in ClinVar:

NM_000037.4(ANK1):c.4232C>G (p.Ser1411Ter)

Gene: ANK1 (ankyrin 1; minus strand). Cytogenetic location: 8p11.21.
Variant type: single nucleotide variant.
Coding change: c.4232C>G on transcript NM_000037.4 (MANE Select); coding-DNA position 4232, C replaced by G.
Protein change: p.Ser1411Ter; replaces serine 1411 with a stop codon.
Molecular consequence: nonsense.
Genome position (GRCh38, 1-based): chr8:41,688,182, G>C on the plus strand (C>G on the coding strand, the complement: ANK1 is on the minus strand). VCF-style: chr8-41688182-G-C. GRCh37 (hg19) VCF-style: chr8-41545700-G-C.
Other names: c.4355C>G, p.Ser1452Ter (NM_001142446.2); c.4232C>G, p.Ser1411Ter (NM_020475.3, NM_020476.3, NM_020477.3); short protein forms S1411*, S1452*.
Identifiers: ClinVar variation 4277274 (VCV004277274.1).

ClinVar aggregate classification (germline): Pathogenic (1 of 4 stars; one submission).

Conditions:
Hereditary spherocytosis type 1. Also called: Spherocytosis type 1; ANK1-Related Spherocytosis. Identifiers: Orphanet 822, MedGen C2674218, MONDO:0008447, OMIM 182900.

Submission:

MVZ Medizinische Genetik Mainz
Classification: Pathogenic for Hereditary spherocytosis type 1. Last evaluated: 2025-08-21. Review status: criteria provided, single submitter. Criteria: UK Practice Guidelines For Variant Classification V4 01 2020. Collection method: clinical testing. Allele origin: germline. Inheritance: Autosomal dominant inheritance. Affected: yes. Observed: 1 variant allele.
Comment: ACMG Criteria: PVS1,PM2_SUP,PP4